The following is an entry in ClinVar:

NM_001458.5(FLNC):c.1048-1G>A

Gene: FLNC (filamin C; plus strand). Cytogenetic location: 7q32.1.
Variant type: single nucleotide variant.
Coding change: c.1048-1G>A on transcript NM_001458.5 (MANE Select); the canonical splice acceptor site of the intron before coding-DNA position 1048, G replaced by A.
Molecular consequence: splice acceptor variant.
Genome position (GRCh38, 1-based): chr7:128,838,266, G>A. VCF-style: chr7-128838266-G-A. GRCh37 (hg19) VCF-style: chr7-128478320-G-A.
Other names: c.1048-1G>A (NM_001127487.2, NM_001458.4).
Identifiers: ClinVar variation 4812575 (VCV004812575.3).
Genomic context (GRCh38, chr7:128,838,266, plus strand): 5'-CCTCTGCCCCCTCTCAGGACTGCTCTCCCCTAGAAGCTAACCTTTGACCTCTGACCCCTA[G>A]GTGACCGTGCTCTTTGCTGGCCAGAACATTGAACGCAGTCCCTTTGAGGTGAACGTGGGC-3'

ClinVar aggregate classification (germline): Likely pathogenic. Review status: criteria provided, multiple submitters, no conflicts (2 of 4 stars). 3 submissions from 3 submitters: Likely pathogenic (3). Last evaluated 2026-04-20.

Conditions:
Distal myopathy with posterior leg and anterior hand involvement. Also called: WILLIAMS DISTAL MYOPATHY. Identifiers: Orphanet 63273, MedGen C3279722, MONDO:0013550, OMIM 614065.
Hypertrophic cardiomyopathy 26. Also called: Cardiomyopathy, familial hypertrophic, 26. Identifiers: Orphanet 75249, MedGen C4310749, MONDO:0014883, OMIM 617047.
Myofibrillar myopathy 5. Also called: FILAMINOPATHY, AUTOSOMAL DOMINANT; Filaminopathy (type). Identifiers: Orphanet 171445, MedGen C1836050, MONDO:0012289, OMIM 609524.
Cardiovascular phenotype. Identifiers: MedGen CN230736.

Submissions (3):

GeneDx
Classification: Likely pathogenic. Last evaluated: 2026-04-20. Review status: criteria provided, single submitter. Criteria: GeneDx Variant Classification Process June 2021. Collection method: clinical testing. Allele origin: germline.
Comment: Canonical splice site variant predicted to result in a null allele in a gene for which loss of function is a known mechanism of disease; Not observed at significant frequency in large population cohorts (gnomAD); Has not been previously published as pathogenic or benign to our knowledge

Ambry Genetics
Classification: Likely pathogenic for Cardiovascular phenotype. Last evaluated: 2026-04-17. Review status: criteria provided, single submitter. Criteria: Ambry Variant Classification Scheme 2023. Collection method: clinical testing. Allele origin: germline.
Comment: The c.1048-1G>A intronic variant results from a G to A substitution one nucleotide before coding exon 7 of the FLNC gene. This variant is considered to be rare based on population cohorts in the Genome Aggregation Database (gnomAD). This nucleotide position is highly conserved in available vertebrate species. In silico splice site analysis predicts that this alteration will weaken the native splice acceptor site and will result in the creation or strengthening of a novel splice acceptor site. Variants that disrupt the canonical splice site are expected to cause aberrant splicing, resulting in an abnormal protein or a transcript that is subject to nonsense-mediated mRNA decay. As such, this variant is classified as likely pathogenic for FLNC-related dilated cardiomyopathy; however, its clinical significance for FLNC-related hypertrophic/restrictive cardiomyopathy and/or skeletal myopathy is uncertain.

Labcorp Genetics (formerly Invitae), Labcorp
Classification: Likely pathogenic for Distal myopathy with posterior leg and anterior hand involvement; Myofibrillar myopathy 5; Hypertrophic cardiomyopathy 26. Last evaluated: 2025-12-26. Review status: criteria provided, single submitter. Criteria: Invitae Variant Classification Sherloc (09022015). Collection method: clinical testing. Allele origin: germline.
Comment: This sequence change affects an acceptor splice site in intron 6 of the FLNC gene. It is expected to disrupt RNA splicing. Variants that disrupt the donor or acceptor splice site typically lead to a loss of protein function (PMID: 16199547), and loss-of-function variants in FLNC are known to be pathogenic (PMID: 27908349). This variant is not present in population databases (gnomAD no frequency). This variant has not been reported in the literature in individuals affected with FLNC-related conditions. Algorithms developed to predict the effect of sequence changes on RNA splicing suggest that this variant may disrupt the consensus splice site. In summary, the currently available evidence indicates that the variant is pathogenic, but additional data are needed to prove that conclusively. Therefore, this variant has been classified as Likely Pathogenic.

Literature cited by the submitters: PubMed 16199547 (cited by Labcorp Genetics (formerly Invitae), Labcorp); PubMed 27908349 (cited by Labcorp Genetics (formerly Invitae), Labcorp).